The following is an entry in ClinVar:

ClinVar aggregate classification (germline): Uncertain significance (1 of 4 stars; one submission).

Submission:

GeneDx
Classification: Uncertain significance. Last evaluated: 2017-04-12. Review status: criteria provided, single submitter. Criteria: GeneDx Variant Classification (06012015). Collection method: clinical testing. Allele origin: germline. Affected: yes.
Comment: The K175N variant in the COMP gene has not been reported previously as a pathogenic variant, nor as a benign variant, to our knowledge. The K175N variant is not observed in large population cohorts (Lek et al., 2016; 1000 Genomes Consortium et al., 2015; Exome Variant Server). The K175N variant is a semi-conservative amino acid substitution, which occurs at a position that is conserved across species. In silico analysis predicts this variant is probably damaging to the protein structure/function. We interpret K175N as a variant of uncertain significance

NM_000095.3(COMP):c.525G>C (p.Lys175Asn)

Gene: COMP (cartilage oligomeric matrix protein; minus strand). Cytogenetic location: 19p13.11.
Variant type: single nucleotide variant.
Coding change: c.525G>C on transcript NM_000095.3 (MANE Select); coding-DNA position 525, G replaced by C.
Protein change: p.Lys175Asn; replaces lysine 175 with asparagine.
Molecular consequence: missense variant.
Genome position (GRCh38, 1-based): chr19:18,789,163, C>G on the plus strand (G>C on the coding strand, the complement: COMP is on the minus strand). VCF-style: chr19-18789163-C-G. GRCh37 (hg19) VCF-style: chr19-18899972-C-G.
Other names: short protein forms K175N.
Identifiers: ClinVar variation 426578 (VCV000426578.2), dbSNP rs1085307693, ClinGen allele CA404895773.